The following is an entry in ClinVar:

NM_000179.3(MSH6):c.3138C>T (p.Asp1046=)

Gene: MSH6 (mutS homolog 6; plus strand). Cytogenetic location: 2p16.3.
Variant type: single nucleotide variant.
Coding change: c.3138C>T on transcript NM_000179.3 (MANE Select); coding-DNA position 3138, C replaced by T.
Protein change: p.Asp1046=; no amino-acid change (aspartic acid 1046 retained).
Molecular consequence: synonymous variant.
Genome position (GRCh38, 1-based): chr2:47,801,121, C>T. VCF-style: chr2-47801121-C-T. GRCh37 (hg19) VCF-style: chr2-48028260-C-T.
Other names: c.2748C>T, p.Asp916= (NM_001281492.2); c.2232C>T, p.Asp744= (NM_001281493.2, NM_001281494.2).
Identifiers: ClinVar variation 455233 (VCV000455233.12), dbSNP rs1244049824, ClinGen allele CA426122024.

ClinVar aggregate classification (germline): Benign/Likely benign. Review status: criteria provided, multiple submitters, no conflicts (2 of 4 stars). 4 submissions from 4 submitters: Benign (1); Likely benign (3). Last evaluated 2026-08-26.

Conditions:
Hereditary nonpolyposis colorectal neoplasms. Identifiers: MedGen C0009405, MeSH D003123.
Hereditary cancer-predisposing syndrome. Also called: Neoplastic Syndromes, Hereditary; Hereditary neoplastic syndrome; Hereditary Cancer Syndrome; Tumor predisposition. Identifiers: Orphanet 140162, MedGen C0027672, MeSH D009386, MONDO:0015356.
Lynch syndrome 5 (LYNCH5). Also called: Colorectal cancer, hereditary nonpolyposis, type 5; Hereditary non-polyposis colorectal cancer, type 5. Identifiers: Orphanet 144, MedGen C1833477, MONDO:0013710, OMIM 614350. Disease mechanism: loss of function.

Allele frequency attached by ClinVar (database versions not stated): gnomAD exomes below 0.00001.
gnomAD v4.1: 1 of 1,612,246 alleles (0.000062%); highest among the groups gnomAD compares: Non-Finnish European, 0.000085%; no homozygotes.

Submissions (4):

Ambry Genetics
Classification: Likely benign for Hereditary cancer-predisposing syndrome. Last evaluated: 2026-08-26. Review status: criteria provided, single submitter. Criteria: Ambry Variant Classification Scheme 2023. Collection method: clinical testing. Allele origin: germline.

Myriad Genetics, Inc.
Classification: Benign for Lynch syndrome 5. Last evaluated: 2025-01-03. Review status: criteria provided, single submitter. Criteria: Myriad Autosomal Dominant, Autosomal Recessive and X-Linked Classification Criteria (2023). Collection method: clinical testing. Allele origin: unknown.
Comment: This variant is considered benign. This variant is a silent/synonymous amino acid change and it is not expected to impact splicing.

Sema4
Classification: Likely benign for Hereditary cancer-predisposing syndrome. Last evaluated: 2021-09-02. Review status: criteria provided, single submitter. Criteria: Sema4 Curation Guidelines. Collection method: curation. Allele origin: germline.

Labcorp Genetics (formerly Invitae), Labcorp
Classification: Likely benign for Hereditary nonpolyposis colorectal neoplasms. Last evaluated: 2017-01-19. Review status: criteria provided, single submitter. Criteria: Invitae Variant Classification Sherloc (09022015). Collection method: clinical testing. Allele origin: germline.